The following is an entry in ClinVar:

NM_015559.3(SETBP1):c.298G>A (p.Glu100Lys)

Gene: SETBP1 (SET binding protein 1; plus strand). Cytogenetic location: 18q12.3.
Variant type: single nucleotide variant.
Coding change: c.298G>A on transcript NM_015559.3 (MANE Select); coding-DNA position 298, G replaced by A.
Protein change: p.Glu100Lys; replaces glutamic acid 100 with lysine.
Molecular consequence: missense variant.
Genome position (GRCh38, 1-based): chr18:44,701,644, G>A. VCF-style: chr18-44701644-G-A. GRCh37 (hg19) VCF-style: chr18-42281609-G-A.
Other names: c.298G>A, p.Glu100Lys (NM_001130110.2, NM_001379141.1, NM_001379142.1 and 1 more transcripts); short protein forms E100K.
Identifiers: ClinVar variation 4754835 (VCV004754835.1).
Genomic context (GRCh38, chr18:44,701,644, plus strand): 5'-TGGGTGGCAGGAGATGGTTTGGAAGAGCAGGAATTTTCTATCAAGGAGGCAAACTTCACA[G>A]AGGGAAGTCTGAAGCTAAAGATTCAGACCACAAAGCGGGCTAAGAAACCCCCAAAGAATT-3'
Protein context (NP_056374.2, residues 90-110): EFSIKEANFT[Glu100Lys]GSLKLKIQTT

ClinVar aggregate classification (germline): Uncertain significance (1 of 4 stars; one submission).

gnomAD v4.1: 3 of 1,614,136 alleles (0.00019%); highest among the groups gnomAD compares: South Asian, 0.0011%; no homozygotes.

Submission:

Labcorp Genetics (formerly Invitae), Labcorp
Classification: Uncertain significance. Last evaluated: 2025-10-01. Review status: criteria provided, single submitter. Criteria: Invitae Variant Classification Sherloc (09022015). Collection method: clinical testing. Allele origin: germline.
Comment: This sequence change replaces glutamic acid, which is acidic and polar, with lysine, which is basic and polar, at codon 100 of the SETBP1 protein (p.Glu100Lys). This variant is present in population databases (rs767349461, gnomAD 0.003%). This variant has not been reported in the literature in individuals affected with SETBP1-related conditions. An algorithm developed to predict the effect of missense changes on protein structure and function (PolyPhen-2) suggests that this variant is likely to be disruptive. In summary, the available evidence is currently insufficient to determine the role of this variant in disease. Therefore, it has been classified as a Variant of Uncertain Significance.